The following is an entry in ClinVar:

NM_006231.4(POLE):c.3556C>T (p.Leu1186Phe)

Gene: POLE (DNA polymerase epsilon, catalytic subunit; minus strand). Cytogenetic location: 12q24.33.
Variant type: single nucleotide variant.
Coding change: c.3556C>T on transcript NM_006231.4 (MANE Select); coding-DNA position 3556, C replaced by T.
Protein change: p.Leu1186Phe; replaces leucine 1186 with phenylalanine.
Molecular consequence: missense variant.
Genome position (GRCh38, 1-based): chr12:132,657,162, G>A on the plus strand (C>T on the coding strand, the complement: POLE is on the minus strand). VCF-style: chr12-132657162-G-A. GRCh37 (hg19) VCF-style: chr12-133233748-G-A.
Other names: c.3556C>T (NM_006231.2); short protein forms L1186F.
Identifiers: ClinVar variation 3612663 (VCV003612663.3).
Genomic context (GRCh38, chr12:132,657,162, plus strand): 5'-CCCGCCCAGCCCAGCCTTGGGGCCCCACCGTCACCTGTCTCCTGCCCTCCAGGGTGAAGA[G>A]CTCACTGATCTTCTTCTGCTTGTAGACATCATTCTTCTCCAGCAGTTTTTTGTGCAGCCA-3'
Protein context (NP_006222.2, residues 1176-1196): DVYKQKKISE[Leu1186Phe]FTLEGRRQVT

ClinVar aggregate classification (germline): Conflicting classifications of pathogenicity. Review status: criteria provided, conflicting classifications (1 of 4 stars). 2 submissions from 2 submitters: Pathogenic (1); Uncertain significance (1). Last evaluated 2026-06-22.

Conditions:
Hereditary cancer-predisposing syndrome. Also called: Hereditary neoplastic syndrome; Neoplastic Syndromes, Hereditary; Tumor predisposition; Hereditary Cancer Syndrome. Identifiers: Orphanet 140162, MedGen C0027672, MeSH D009386, MONDO:0015356.

gnomAD v4.1: 2 of 1,614,012 alleles (0.00012%); highest among the groups gnomAD compares: Non-Finnish European, 0.00017%; no homozygotes.

Submissions (2):

Ambry Genetics
Classification: Uncertain significance for Hereditary cancer-predisposing syndrome. Last evaluated: 2026-06-22. Review status: criteria provided, single submitter. Criteria: Ambry Variant Classification Scheme 2023. Collection method: clinical testing. Allele origin: germline.
Comment: The p.L1186F variant (also known as c.3556C>T), located in coding exon 29 of the POLE gene, results from a C to T substitution at nucleotide position 3556. The leucine at codon 1186 is replaced by phenylalanine, an amino acid with highly similar properties. This amino acid position is highly conserved in available vertebrate species. In addition, this alteration is predicted to be tolerated by in silico analysis. Based on the available evidence, the clinical significance of this variant remains unclear.

Labcorp Genetics (formerly Invitae), Labcorp
Classification: Pathogenic. Last evaluated: 2025-12-15. Review status: criteria provided, single submitter. Criteria: Invitae Variant Classification Sherloc (09022015). Collection method: clinical testing. Allele origin: germline.
Comment: This sequence change replaces leucine, which is neutral and non-polar, with phenylalanine, which is neutral and non-polar, at codon 1186 of the POLE protein (p.Leu1186Phe). RNA analysis indicates that this missense change induces altered splicing and may result in an absent or altered protein product. This variant is not present in population databases (gnomAD no frequency). This variant has not been reported in the literature in individuals affected with POLE-related conditions. ClinVar contains an entry for this variant (Variation ID: 3612663). Invitae Evidence Modeling of protein sequence and biophysical properties (such as structural, functional, and spatial information, amino acid conservation, physicochemical variation, residue mobility, and thermodynamic stability) indicates that this missense variant is not expected to disrupt POLE protein function with a negative predictive value of 80%. Studies have shown that this missense change results in activation of a cryptic splice site, and produces a non-functional protein and/or introduces a premature termination codon (internal data). For these reasons, this variant has been classified as Pathogenic.